The following is an entry in ClinVar:

ClinVar aggregate classification (germline): Benign/Likely benign. Review status: criteria provided, multiple submitters, no conflicts (2 of 4 stars). 2 submissions from 2 submitters: Benign (1); Likely benign (1). Last evaluated 2025-02-06.

Conditions:
Hereditary cancer-predisposing syndrome. Also called: Neoplastic Syndromes, Hereditary; Tumor predisposition; Hereditary neoplastic syndrome; Hereditary Cancer Syndrome. Identifiers: Orphanet 140162, MedGen C0027672, MeSH D009386, MONDO:0015356.
POLD1-related polyposis and colorectal cancer syndrome (CRCS10). Also called: COLORECTAL CANCER, SUSCEPTIBILITY TO, ON CHROMOSOME 19q; Colorectal cancer 10; Colorectal cancer, susceptibility to, 10. Identifiers: Orphanet 220460, MedGen C2675481, MONDO:0012953, OMIM 612591.

Submissions (2):

Myriad Genetics, Inc.
Classification: Benign for POLD1-related polyposis and colorectal cancer syndrome. Last evaluated: 2025-02-06. Review status: criteria provided, single submitter. Criteria: Myriad Autosomal Dominant, Autosomal Recessive and X-Linked Classification Criteria (2023). Collection method: clinical testing. Allele origin: unknown.
Comment: This variant is considered benign. This variant is a silent/synonymous amino acid change and it is not expected to impact splicing.

Ambry Genetics
Classification: Likely benign for Hereditary cancer-predisposing syndrome. Last evaluated: 2021-05-26. Review status: criteria provided, single submitter. Criteria: Ambry Variant Classification Scheme 2023. Collection method: clinical testing. Allele origin: germline.

NM_002691.4(POLD1):c.1566G>C (p.Leu522=)

Gene: POLD1 (DNA polymerase delta 1, catalytic subunit; plus strand). Cytogenetic location: 19q13.33.
Variant type: single nucleotide variant.
Coding change: c.1566G>C on transcript NM_002691.4 (MANE Select); coding-DNA position 1566, G replaced by C.
Protein change: p.Leu522=; no amino-acid change (leucine 522 retained).
Molecular consequence: synonymous variant. On other transcripts: non-coding transcript variant (1).
Genome position (GRCh38, 1-based): chr19:50,407,054, G>C. VCF-style: chr19-50407054-G-C. GRCh37 (hg19) VCF-style: chr19-50910311-G-C.
Other names: c.1566G>C, p.Leu522= (NM_001256849.1, NM_001308632.1).
Identifiers: ClinVar variation 1775384 (VCV001775384.3), dbSNP rs1601219364, ClinGen allele CA508184004.
Genomic context (GRCh38, chr19:50,407,054, plus strand): 5'-CCAGACCCGCCGCCGCCTGGCTGTGTACTGCCTGAAGGATGCCTACCTGCCACTGCGGCT[G>C]CTGGAGCGGCTCATGGTGCTGGTGAACGCCGTGGAGATGGCGAGGGTCACTGGCGTGCCC-3'
Protein context (NP_002682.2, residues 512-532): CLKDAYLPLR[Leu522=]LERLMVLVNA